The following is an entry in ClinVar:

ClinVar aggregate classification (germline): Likely pathogenic. Review status: criteria provided, single submitter (1 of 4 stars). 2 submissions from 2 submitters: Likely pathogenic (1). 1 of the submissions does not count toward it. Last evaluated 2022-10-06.

Conditions:
Autosomal dominant nonsyndromic hearing loss 2A. Also called: Deafness, autosomal dominant 2A; Autosomal dominant nonsyndromic deafness 2A; DFNA2 Nonsyndromic Hearing Loss. Identifiers: Orphanet 90635, MedGen C2677637, MONDO:0010817, OMIM 600101.

Submissions (2):

Laboratoire Génétique Moléculaire, CHRU TOURS
Classification: Likely pathogenic for Autosomal dominant nonsyndromic hearing loss 2A. Last evaluated: 2022-10-06. Review status: criteria provided, single submitter. Criteria: ACMG Guidelines, 2015. Collection method: clinical testing. Allele origin: unknown. Affected: yes.
Comment: PS3;PM2;PP3;PP4;PP5

Laboratory of Molecular Genetics, Brain Korea 21 PLUS Project for Medical Sciences, Yonsei University College of Medicine
Classification: Pathogenic for Autosomal dominant nonsyndromic hearing loss 2A. Last evaluated: 2017-12-07. Review status: no assertion criteria provided. Collection method: clinical testing. Allele origin: inherited. Inheritance: Autosomal dominant inheritance. Affected: yes. Not counted in ClinVar's aggregate classification.
Comment: The pedigree of YUHL35 showed autosomal dominant fashion of hearing loss. Affected patients (II-6 and III-7) had moderate bilateral sensorineural hearing loss.

NM_004700.4(KCNQ4):c.796G>T (p.Asp266Tyr)

Gene: KCNQ4 (potassium voltage-gated channel subfamily Q member 4; plus strand). Cytogenetic location: 1p34.2.
Variant type: single nucleotide variant.
Coding change: c.796G>T on transcript NM_004700.4 (MANE Select); coding-DNA position 796, G replaced by T.
Protein change: p.Asp266Tyr; replaces aspartic acid 266 with tyrosine.
Molecular consequence: missense variant.
Genome position (GRCh38, 1-based): chr1:40,819,434, G>T. VCF-style: chr1-40819434-G-T. GRCh37 (hg19) VCF-style: chr1-41285106-G-T.
Other names: c.796G>T, p.Asp266Tyr (NM_172163.3); short protein forms D266Y.
Identifiers: ClinVar variation 591002 (VCV000591002.2), dbSNP rs1558014576, ClinGen allele CA339895616.